The following is an entry in ClinVar:

ClinVar aggregate classification (germline): Uncertain significance (1 of 4 stars; one submission).

Allele frequency attached by ClinVar (database versions not stated): gnomAD exomes below 0.00001.

Submission:

Labcorp Genetics (formerly Invitae), Labcorp
Classification: Uncertain significance. Last evaluated: 2021-12-12. Review status: criteria provided, single submitter. Criteria: Invitae Variant Classification Sherloc (09022015). Collection method: clinical testing. Allele origin: germline.
Comment: In summary, the available evidence is currently insufficient to determine the role of this variant in disease. Therefore, it has been classified as a Variant of Uncertain Significance. Algorithms developed to predict the effect of missense changes on protein structure and function output the following: SIFT: "Tolerated"; PolyPhen-2: "Possibly Damaging"; Align-GVGD: "Class C0". The threonine amino acid residue is found in multiple mammalian species, which suggests that this missense change does not adversely affect protein function. This missense change has been observed in individuals with fibrodysplasia ossificans progressiva (PMID: 16080294, 19400542). It has also been observed to segregate with disease in related individuals. This variant is not present in population databases (gnomAD no frequency). This sequence change replaces alanine, which is neutral and non-polar, with threonine, which is neutral and polar, at codon 95 of the NOG protein (p.Ala95Thr).

Literature cited by the submitters: PubMed 16080294; PubMed 19400542.

NM_005450.6(NOG):c.283G>A (p.Ala95Thr)

Gene: NOG (noggin; plus strand). Cytogenetic location: 17q22.
Variant type: single nucleotide variant.
Coding change: c.283G>A on transcript NM_005450.6 (MANE Select); coding-DNA position 283, G replaced by A.
Protein change: p.Ala95Thr; replaces alanine 95 with threonine.
Molecular consequence: missense variant.
Genome position (GRCh38, 1-based): chr17:56,594,506, G>A. VCF-style: chr17-56594506-G-A. GRCh37 (hg19) VCF-style: chr17-54671867-G-A.
Other names: short protein forms A95T.
Identifiers: ClinVar variation 2138090 (VCV002138090.4), dbSNP rs1419685672, ClinGen allele CA399965437.